The following is an entry in ClinVar:

ClinVar aggregate classification (germline): Conflicting classifications of pathogenicity. Review status: criteria provided, conflicting classifications (1 of 4 stars). 8 submissions from 8 submitters: Likely pathogenic (6); Uncertain significance (2). Last evaluated 2025-03-20.

Conditions:
Inborn genetic diseases. Identifiers: MedGen C0950123, MeSH D030342.
Metachromatic leukodystrophy (MLD). Also called: CEREBROSIDE SULFATASE DEFICIENCY; Arylsulfatase A Deficiency; ARSA DEFICIENCY; METACHROMATIC LEUKOENCEPHALOPATHY; SULFATIDE LIPIDOSIS; Cerebral sclerosis diffuse metachromatic form. Identifiers: Orphanet 512, MedGen C0023522, MONDO:0018868, OMIM 250100.
Neurodevelopmental disorder. Identifiers: MedGen C1535926, MeSH D065886, MONDO:0700092.

Submissions (8):

Natera, Inc.
Classification: Likely pathogenic for Metachromatic leukodystrophy. Last evaluated: 2025-03-20. Review status: criteria provided, single submitter. Criteria: Natera Variant Classification Schema (03/2026). Collection method: clinical testing. Allele origin: germline.
Comment: The c.1177_1178delACinsGG variant in ARSA is a deletion-insertion (delins) variant predicted to replace one or more nucleotides with a different sequence. This variant is rare in the general population with a frequency below the threshold expected for the associated phenotype(s). This variant has been observed in one or more individuals affected with the associated recessive disease, as either homozygous or compound heterozygous with a second variant (PMID: 36240581, 33335837, 32632536, 16608548, 26000324). Given the available evidence, this variant is classified as Likely Pathogenic.

Greenwood Genetic Center Diagnostic Laboratories, Greenwood Genetic Center
Classification: Likely pathogenic for Metachromatic leukodystrophy. Last evaluated: 2024-06-19. Review status: criteria provided, single submitter. Criteria: ACMG Guidelines, 2015. Collection method: clinical testing. Allele origin: germline. Affected: yes.
Comment: PS3_Moderate, PM2, PM3

Mayo Clinic Laboratories, Mayo Clinic
Classification: Likely pathogenic. Last evaluated: 2024-05-07. Review status: criteria provided, single submitter. Criteria: ACMG Guidelines, 2015. Collection method: clinical testing. Allele origin: germline. Observed: 2 variant alleles.
Comment: PP4, PM2, PM3, PS4_moderate

Labcorp Genetics (formerly Invitae), Labcorp
Classification: Uncertain significance for Metachromatic leukodystrophy. Last evaluated: 2022-05-04. Review status: criteria provided, single submitter. Criteria: Invitae Variant Classification Sherloc (09022015). Collection method: clinical testing. Allele origin: germline.
Comment: This sequence change replaces threonine, which is neutral and polar, with glycine, which is neutral and non-polar, at codon 393 of the ARSA protein (p.Thr393Gly). This variant is present in population databases (no rsID available, gnomAD 0.1%). This missense change has been observed in individual(s) with metachromatic leukodystrophy (PMID: 33335837). ClinVar contains an entry for this variant (Variation ID: 1308665). Algorithms developed to predict the effect of missense changes on protein structure and function are either unavailable or do not agree on the potential impact of this missense change (SIFT: "Not Available"; PolyPhen-2: "Benign"; Align-GVGD: "Not Available"). In summary, the available evidence is currently insufficient to determine the role of this variant in disease. Therefore, it has been classified as a Variant of Uncertain Significance.

Ambry Genetics
Classification: Uncertain significance for Inborn genetic diseases. Last evaluated: 2022-04-26. Review status: criteria provided, single submitter. Criteria: Ambry Variant Classification Scheme 2023. Collection method: clinical testing. Allele origin: germline.
Comment: The c.1177_1178delACinsGG (p.T393G) alteration, located in exon 7 (coding exon 7) of the ARSA gene, consists of an in-frame substitution of 2 nucleotides from position 1177 to 1178, causing the threonine (T) at amino acid position 393 to be replaced by a glycine (G). Based on insufficient or conflicting evidence, the clinical significance of this alteration remains unclear.

GeneDx
Classification: Likely pathogenic. Last evaluated: 2022-02-10. Review status: criteria provided, single submitter. Criteria: GeneDx Variant Classification Process June 2021. Collection method: clinical testing. Allele origin: germline. Affected: yes.
Comment: Not observed at significant frequency in large population cohorts (gnomAD); In silico analysis supports that this variant does not alter protein structure/function; This variant is associated with the following publications: (PMID: 33335837)

Equipe Genetique des Anomalies du Developpement, Université de Bourgogne
Classification: Likely pathogenic for Metachromatic leukodystrophy. Last evaluated: 2021-10-28. Review status: criteria provided, single submitter. Criteria: ACMG Guidelines, 2015. Collection method: clinical testing. Allele origin: maternal. Affected: yes.

Laboratory of Molecular Genetics (Pr. Bezieau's lab), CHU de Nantes
Classification: Likely pathogenic for Neurodevelopmental disorder. Last evaluated: 2021-09-13. Review status: criteria provided, single submitter. Criteria: ACMG Guidelines, 2015. Collection method: clinical testing. Allele origin: germline. Affected: yes.

Literature cited by the submitters: PubMed 36240581 (cited by Natera, Inc.); PubMed 33335837 (cited by 4 submitters); PubMed 32632536 (cited by Natera, Inc.); PubMed 16608548 (cited by Natera, Inc. and Mayo Clinic Laboratories, Mayo Clinic); PubMed 26000324 (cited by Natera, Inc.).

NM_000487.6(ARSA):c.1177_1178delinsGG (p.Thr393Gly)

Gene: ARSA (arylsulfatase A; minus strand). Cytogenetic location: 22q13.33.
Variant type: Indel.
Coding change: c.1177_1178delinsGG on transcript NM_000487.6 (MANE Select); coding-DNA positions 1177 to 1178, AC replaced by GG.
Protein change: p.Thr393Gly; replaces threonine 393 with glycine.
Molecular consequence: missense variant.
Genome position (GRCh38, 1-based): chr22:50,625,611-50,625,612, GT replaced by CC on the plus strand (AC replaced by GG on the coding strand, the reverse complement: ARSA is on the minus strand). VCF-style: chr22-50625611-GT-CC. GRCh37 (hg19) VCF-style: chr22-51064039-GT-CC.
Other names: p.Thr393Gly; c.1177_1178delinsGG, p.Thr393Gly (NM_001085425.3, NM_001085426.3, NM_001085427.3); c.919_920delinsGG, p.Thr307Gly (NM_001085428.3, NM_001362782.2); c.1177_1178delACinsGG (NM_000487.5); short protein forms T307G, T393G.
Identifiers: ClinVar variation 1308665 (VCV001308665.10), dbSNP rs2146717703, ClinGen allele CA913187457.